The following is an entry in ClinVar:

ClinVar aggregate classification (germline): Uncertain significance (1 of 4 stars; one submission).

Allele frequency attached by ClinVar (database versions not stated): gnomAD 0.00001; TOPMed 0.00001; ExAC 0.00002; ESP Exome Variant Server 0.00008.
gnomAD v4.1: 3 of 1,613,928 alleles (0.00019%); highest among the groups gnomAD compares: Non-Finnish European, 0.00025%; no homozygotes.

Submission:

Labcorp Genetics (formerly Invitae), Labcorp
Classification: Uncertain significance. Last evaluated: 2024-02-24. Review status: criteria provided, single submitter. Criteria: Invitae Variant Classification Sherloc (09022015). Collection method: clinical testing. Allele origin: germline.
Comment: This sequence change replaces arginine, which is basic and polar, with threonine, which is neutral and polar, at codon 173 of the MAK protein (p.Arg173Thr). This variant is present in population databases (rs369612015, gnomAD 0.002%). This missense change has been observed in individual(s) with retinitis pigmentosa (Invitae). ClinVar contains an entry for this variant (Variation ID: 1949520). Advanced modeling of protein sequence and biophysical properties (such as structural, functional, and spatial information, amino acid conservation, physicochemical variation, residue mobility, and thermodynamic stability) has been performed at Invitae for this missense variant, however the output from this modeling did not meet the statistical confidence thresholds required to predict the impact of this variant on MAK protein function. This variant disrupts the p.Arg173 amino acid residue in MAK. Other variant(s) that disrupt this residue have been observed in individuals with MAK-related conditions (PMID: 33921607), which suggests that this may be a clinically significant amino acid residue. In summary, the available evidence is currently insufficient to determine the role of this variant in disease. Therefore, it has been classified as a Variant of Uncertain Significance.

Literature cited by the submitters: PubMed 33921607.

NM_001242957.3(MAK):c.518G>C (p.Arg173Thr)

Gene: MAK (male germ cell associated kinase; minus strand). Cytogenetic location: 6p24.2.
Variant type: single nucleotide variant.
Coding change: c.518G>C on transcript NM_001242957.3 (MANE Select); coding-DNA position 518, G replaced by C.
Protein change: p.Arg173Thr; replaces arginine 173 with threonine.
Molecular consequence: missense variant. On other transcripts: non-coding transcript variant (2).
Genome position (GRCh38, 1-based): chr6:10,803,865, C>G on the plus strand (G>C on the coding strand, the complement: MAK is on the minus strand). VCF-style: chr6-10803865-C-G. GRCh37 (hg19) VCF-style: chr6-10804098-C-G.
Other names: c.518G>C, p.Arg173Thr (NM_001242385.2, NM_005906.6); c.416G>C, p.Arg139Thr (NM_001377262.1); short protein forms R139T, R173T.
Identifiers: ClinVar variation 1949520 (VCV001949520.4), dbSNP rs369612015, ClinGen allele CA3633686.
Genomic context (GRCh38, chr6:10,803,865, plus strand): 5'-AGTTCAGCCATGATACTTCCAACAGCCCACACATCAATGGGAGAACTATAAACTGAAGAT[C>G]TCAGTAAAACTTCAGGGGCACGATACCTATGAAAATAGAGAACAAAAGAGGTAATTTTGA-3'
Protein context (NP_001229886.1, residues 163-183): RWYRAPEVLL[Arg173Thr]SSVYSSPIDV